The following is an entry in ClinVar:

ClinVar aggregate classification (germline): Uncertain significance (1 of 4 stars; one submission).

Submission:

Ambry Genetics
Classification: Uncertain significance. Last evaluated: 2025-12-21. Review status: criteria provided, single submitter. Criteria: Ambry Variant Classification Scheme 2023. Collection method: clinical testing. Allele origin: germline.
Comment: The p.Q881E variant (also known as c.2641C>G), located in coding exon 24 of the KIF1B gene, results from a C to G substitution at nucleotide position 2641. The glutamine at codon 881 is replaced by glutamic acid, an amino acid with highly similar properties. This amino acid position is conserved. In addition, this alteration is predicted to be tolerated by in silico analysis. Based on the available evidence, the clinical significance of this variant remains unclear.

NM_001365951.3(KIF1B):c.2779C>G (p.Gln927Glu)

Genes: KIF1B (kinesin family member 1B; plus strand), LOC126805614 (BRD4-independent group 4 enhancer GRCh37_chr1:10385546-10386745; plus strand). Cytogenetic location: 1p36.22.
Variant type: single nucleotide variant.
Coding change: c.2779C>G on transcript NM_001365951.3 (MANE Select); coding-DNA position 2779, C replaced by G.
Protein change: p.Gln927Glu; replaces glutamine 927 with glutamic acid.
Molecular consequence: missense variant.
Genome position (GRCh38, 1-based): chr1:10,326,214, C>G. VCF-style: chr1-10326214-C-G. GRCh37 (hg19) VCF-style: chr1-10386272-C-G.
Other names: c.2779C>G, p.Gln927Glu (NM_001365952.1); c.2641C>G, p.Gln881Glu (NM_015074.3); short protein forms Q927E, Q881E.
Identifiers: ClinVar variation 4841869 (VCV004841869.1).